The following is an entry in ClinVar:

NM_206933.4(USH2A):c.1722_1723insGA (p.Cys575fs)

Gene: USH2A (usherin; minus strand). Cytogenetic location: 1q41.
Variant type: Insertion.
Coding change: c.1722_1723insGA on transcript NM_206933.4 (MANE Select); coding-DNA positions 1722 to 1723, GA inserted.
Protein change: p.Cys575fs; shifts the reading frame from cysteine 575.
Molecular consequence: frameshift variant.
Genome position: GRCh38 VCF-style: chr1-216292292-A-ATC. GRCh37 (hg19) VCF-style: chr1-216465634-A-ATC.
Other names: c.1722_1723insGA, p.Cys575fs (NM_007123.6); short protein forms C575fs.
Identifiers: ClinVar variation 143178 (VCV000143178.2), dbSNP rs527236121, ClinGen allele CA270151.

ClinVar aggregate classification (germline): Likely pathogenic (0 of 4 stars; one submission).

Conditions:
Retinitis pigmentosa (RP). Identifiers: Orphanet 791, MedGen C0035334, MeSH D012174, MONDO:0019200, OMIM 268000. Inheritance: Autosomal dominant, autosomal recessive and X linked inheritance.

Submission:

Department of Ophthalmology and Visual Sciences Kyoto University
Classification: Likely pathogenic for Retinitis pigmentosa. Review status: no assertion criteria provided. Collection method: not provided. Allele origin: unknown.
ClinVar note: Converted during submission from probable-pathogenic to Likely pathogenic.